The following is an entry in ClinVar:

NM_001352514.2(HLCS):c.978_979insTGTCTCTTATACACAT (p.His327fs)

Gene: HLCS (holocarboxylase synthetase; minus strand). Cytogenetic location: 21q22.13.
Variant type: Insertion.
Coding change: c.978_979insTGTCTCTTATACACAT on transcript NM_001352514.2 (MANE Select); coding-DNA positions 978 to 979, TGTCTCTTATACACAT inserted.
Protein change: p.His327fs; shifts the reading frame from histidine 327.
Molecular consequence: frameshift variant. On other transcripts: non-coding transcript variant (2).
Genome position: GRCh38 VCF-style: chr21-36936907-G-GATGTGTATAAGAGACA. GRCh37 (hg19) VCF-style: chr21-38309207-G-GATGTGTATAAGAGACA.
Other names: c.537_538insTGTCTCTTATACACAT, p.His180fs (NM_000411.8, NM_001242784.3, NM_001242785.2 and 4 more transcripts); short protein forms H180fs, H327fs.
Identifiers: ClinVar variation 1726419 (VCV001726419.2), dbSNP rs2517579439, ClinGen allele CA2580098718.
Genomic context (GRCh38, chr21:36,936,907, plus strand): 5'-GGTGGTAGAGAATATAACTGTCAATGTCCACACAGTCGGCCAGCACAGACCGGACCTCGT[G>GATGTGTATAAGAGACA]GAACCGGCCGAGGGCTTCCTGGGAGTCGGAGCCCACATAGAGGAGGATGTTGGGTGCCTT-3'

ClinVar aggregate classification (germline): Likely pathogenic (1 of 4 stars; one submission).

Conditions:
Holocarboxylase synthetase deficiency. Also called: MULTIPLE CARBOXYLASE DEFICIENCY, EARLY ONSET. Identifiers: Orphanet 79242, MedGen C0268581, MONDO:0009666, OMIM 253270.

Submission:

Myriad Genetics, Inc.
Classification: Likely pathogenic for Holocarboxylase synthetase deficiency. Last evaluated: 2021-12-17. Review status: criteria provided, single submitter. Criteria: Myriad Women's Health Autosomal Recessive and X-Linked Classification Criteria (2021). Collection method: clinical testing. Allele origin: unknown.
Comment: NM_000411.6(HLCS):c.537_538ins16(H180Cfs*19) is expected to be pathogenic in the context of holocarboxylase synthetase deficiency. This variant is predicted to lead to an abnormal or absent protein product due to the creation of a premature termination codon in HLCS, a gene where loss-of-function variants are known to be pathogenic. Please note: this variant was assessed in the context of healthy population screening.